The following is an entry in ClinVar:

ClinVar aggregate classification (germline): Pathogenic. Review status: reviewed by expert panel (3 of 4 stars). 2 submissions from 2 submitters: Pathogenic (1). 1 of the submissions does not count toward it. Last evaluated 2016-10-18.

Conditions:
Breast-ovarian cancer, familial, susceptibility to, 2 (BROVCA2). Also called: BRCA2 Hereditary Breast and Ovarian Cancer. Identifiers: Orphanet 145, MedGen C2675520, MONDO:0012933, OMIM 612555. Disease mechanism: loss of function.

Submissions (2):

Evidence-based Network for the Interpretation of Germline Mutant Alleles (ENIGMA)
Classification: Pathogenic for Breast-ovarian cancer, familial, susceptibility to, 2. Last evaluated: 2016-10-18. Review status: reviewed by expert panel. Criteria: ENIGMA BRCA1/2 Classification Criteria (2015). Collection method: curation. Allele origin: germline.
Comment: Variant allele predicted to encode a truncated non-functional protein.

Consortium of Investigators of Modifiers of BRCA1/2 (CIMBA), c/o University of Cambridge
Classification: Pathogenic for Breast-ovarian cancer, familial, susceptibility to, 2. Last evaluated: 2015-10-02. Review status: criteria provided, single submitter. Criteria: CIMBA Mutation Classification guidelines May 2016. Collection method: clinical testing. Allele origin: germline. Not counted in ClinVar's aggregate classification.

NM_000059.4(BRCA2):c.9019_9020insTCTA (p.Arg3007delinsIleTer)

Gene: BRCA2 (BRCA2 DNA repair associated; plus strand). Cytogenetic location: 13q13.1.
Variant type: Insertion.
Coding change: c.9019_9020insTCTA on transcript NM_000059.4 (MANE Select); coding-DNA positions 9019 to 9020, TCTA inserted.
Protein change: p.Arg3007delinsIleTer.
Molecular consequence: nonsense.
Genome position: GRCh38 VCF-style: chr13-32379814-C-CATCT. GRCh37 (hg19) VCF-style: chr13-32953951-C-CATCT.
Other names: 9247ins4-ter3008.
Identifiers: ClinVar variation 267129 (VCV000267129.5), dbSNP rs886040811, ClinGen allele CA10589538.